The following is an entry in ClinVar:

NM_152268.4(PARS2):c.1334C>T (p.Ala445Val)

Gene: PARS2 (prolyl-tRNA synthetase 2, mitochondrial; minus strand). Cytogenetic location: 1p32.3.
Variant type: single nucleotide variant.
Coding change: c.1334C>T on transcript NM_152268.4 (MANE Select); coding-DNA position 1334, C replaced by T.
Protein change: p.Ala445Val; replaces alanine 445 with valine.
Molecular consequence: missense variant.
Genome position (GRCh38, 1-based): chr1:54,757,828, G>A on the plus strand (C>T on the coding strand, the complement: PARS2 is on the minus strand). VCF-style: chr1-54757828-G-A. GRCh37 (hg19) VCF-style: chr1-55223501-G-A.
Other names: short protein forms A445V.
Identifiers: ClinVar variation 1378576 (VCV001378576.3), dbSNP rs373158615, ClinGen allele CA869321.
Genomic context (GRCh38, chr1:54,757,828, plus strand): 5'-ACTCCATCTTTGGTGAGGAAGGCCACCTCACCAGTGTTCTGACACCAAACCTCAAAATGT[G>A]CAGGGTCCTCCAGGGCCCTCTTGCCAGCGATTATCACAAAGGGGTAGCCAAACTTGTTGG-3'
Protein context (NP_689481.2, residues 435-455): IAGKRALEDP[Ala445Val]HFEVWCQNTG

ClinVar aggregate classification (germline): Uncertain significance (1 of 4 stars; one submission).

Allele frequency attached by ClinVar (database versions not stated): gnomAD exomes below 0.00001; TOPMed below 0.00001; ExAC 0.00001; gnomAD 0.00001; ESP Exome Variant Server 0.00008.
gnomAD v4.1: 3 of 1,614,020 alleles (0.00019%); highest among the groups gnomAD compares: African/African-American, 0.0013%; no homozygotes.

Submission:

Labcorp Genetics (formerly Invitae), Labcorp
Classification: Uncertain significance. Last evaluated: 2021-12-02. Review status: criteria provided, single submitter. Criteria: Invitae Variant Classification Sherloc (09022015). Collection method: clinical testing. Allele origin: germline.
Comment: This sequence change replaces alanine, which is neutral and non-polar, with valine, which is neutral and non-polar, at codon 445 of the PARS2 protein (p.Ala445Val). This variant is present in population databases (rs373158615, gnomAD 0.007%). This variant has not been reported in the literature in individuals affected with PARS2-related conditions. Algorithms developed to predict the effect of missense changes on protein structure and function (SIFT, PolyPhen-2, Align-GVGD) all suggest that this variant is likely to be tolerated. In summary, the available evidence is currently insufficient to determine the role of this variant in disease. Therefore, it has been classified as a Variant of Uncertain Significance.